The following is an entry in ClinVar:

ClinVar aggregate classification (germline): Conflicting classifications of pathogenicity. Review status: criteria provided, conflicting classifications (1 of 4 stars). 2 submissions from 2 submitters: Uncertain significance (1); Benign (1). Last evaluated 2025-10-02.

Conditions:
Ullrich congenital muscular dystrophy 2 (UCMD2). Identifiers: Orphanet 75840, MedGen C4225314, MONDO:0014654, OMIM 616470.
Bethlem myopathy 2 (BTHLM2). Identifiers: Orphanet 536516, Orphanet 610, MedGen C4225313, MONDO:0034022, OMIM 616471.

Allele frequency attached by ClinVar (database versions not stated): ESP Exome Variant Server 0.00008; gnomAD 0.00001.
gnomAD v4.1: 7 of 1,614,030 alleles (0.00043%); highest among the groups gnomAD compares: Middle Eastern, 0.016%; no homozygotes.

Submissions (2):

Labcorp Genetics (formerly Invitae), Labcorp
Classification: Uncertain significance for Bethlem myopathy 2; Ullrich congenital muscular dystrophy 2. Last evaluated: 2025-10-02. Review status: criteria provided, single submitter. Criteria: Invitae Variant Classification Sherloc (09022015). Collection method: clinical testing. Allele origin: germline.
Comment: This sequence change replaces alanine, which is neutral and non-polar, with threonine, which is neutral and polar, at codon 406 of the COL12A1 protein (p.Ala406Thr). This variant is not present in population databases (gnomAD no frequency). This variant has not been reported in the literature in individuals affected with COL12A1-related conditions. ClinVar contains an entry for this variant (Variation ID: 1684903). Invitae Evidence Modeling of protein sequence and biophysical properties (such as structural, functional, and spatial information, amino acid conservation, physicochemical variation, residue mobility, and thermodynamic stability) has been performed for this missense variant. However, the output from this modeling did not meet the statistical confidence thresholds required to predict the impact of this variant on COL12A1 protein function. In summary, the available evidence is currently insufficient to determine the role of this variant in disease. Therefore, it has been classified as a Variant of Uncertain Significance.

Mendelics
Classification: Benign. Last evaluated: 2022-05-04. Review status: criteria provided, single submitter. Criteria: Mendelics Assertion Criteria 2019. Collection method: clinical testing. Allele origin: germline.

NM_004370.6(COL12A1):c.1216G>A (p.Ala406Thr)

Gene: COL12A1 (collagen type XII alpha 1 chain; minus strand). Cytogenetic location: 6q13.
Variant type: single nucleotide variant.
Coding change: c.1216G>A on transcript NM_004370.6 (MANE Select); coding-DNA position 1216, G replaced by A.
Protein change: p.Ala406Thr; replaces alanine 406 with threonine.
Molecular consequence: missense variant. On other transcripts: intron variant (1).
Genome position (GRCh38, 1-based): chr6:75,183,926, C>T on the plus strand (G>A on the coding strand, the complement: COL12A1 is on the minus strand). VCF-style: chr6-75183926-C-T. GRCh37 (hg19) VCF-style: chr6-75893642-C-T.
Other names: c.73+18794G>A (NM_080645.3); short protein forms A406T.
Identifiers: ClinVar variation 1684903 (VCV001684903.6), dbSNP rs377285294, ClinGen allele CA141030564.
Genomic context (GRCh38, chr6:75,183,926, plus strand): 5'-TCATTGGCTGAGTCTTCTCCATTATTGAAATGGGTTCACTGGATGTCATTCCCTTCATGG[C>T]GGAAACACTGATCTGGTATTCTGTGTCTGCTGAGAGGTCGCGAACACTGAGCGTGGTTGT-3'
Protein context (NP_004361.3, residues 396-416): ADTEYQISVS[Ala406Thr]MKGMTSSEPI